The following is an entry in ClinVar:

NM_001042492.3(NF1):c.6751_6754dup (p.Phe2252fs)

Gene: NF1 (neurofibromin 1; plus strand). Cytogenetic location: 17q11.2.
Variant type: Duplication.
Coding change: c.6751_6754dup on transcript NM_001042492.3 (MANE Select); coding-DNA positions 6751 to 6754, 4 bases duplicated (GTCT; older notation c.6751_6754dupGTCT).
Protein change: p.Phe2252fs; shifts the reading frame from phenylalanine 2252.
Molecular consequence: frameshift variant.
Genome position (GRCh38, 1-based): chr17:31,338,071-31,338,074, GTCT duplicated; duplicating any 4 consecutive bases within chr17:31,338,070-31,338,074 gives the same sequence; the c. name uses the placement nearest the transcript's 3' end. VCF-style (leftmost placement, unchanged base first): chr17-31338069-T-TTGTC. GRCh37 (hg19) VCF-style: chr17-29665087-T-TTGTC.
Other names: c.6688_6691dupGTCT (NM_000267.3); c.6688_6691dup, p.Phe2231Cysfs (NM_000267.4); short protein forms F2231fs, F2252fs.
Identifiers: ClinVar variation 3237894 (VCV003237894.1), dbSNP rs1567617877.

ClinVar aggregate classification (germline): Pathogenic (1 of 4 stars; one submission).

Conditions:
Hereditary cancer-predisposing syndrome. Also called: Neoplastic Syndromes, Hereditary; Tumor predisposition; Hereditary neoplastic syndrome; Hereditary Cancer Syndrome. Identifiers: Orphanet 140162, MedGen C0027672, MeSH D009386, MONDO:0015356.
Cardiovascular phenotype. Identifiers: MedGen CN230736.

Submission:

Ambry Genetics
Classification: Pathogenic for Cardiovascular phenotype; Hereditary cancer-predisposing syndrome. Last evaluated: 2022-12-02. Review status: criteria provided, single submitter. Criteria: Ambry Variant Classification Scheme 2023. Collection method: clinical testing. Allele origin: germline.
Comment: The c.6688_6691dupGTCT pathogenic mutation, located in coding exon 44 of the NF1 gene, results from a duplication of GTCT at nucleotide position 6688, causing a translational frameshift with a predicted alternate stop codon (p.F2231Cfs*6). This variant is considered to be rare based on population cohorts in the Genome Aggregation Database (gnomAD). This alteration is expected to result in loss of function by premature protein truncation or nonsense-mediated mRNA decay. As such, this alteration is interpreted as a disease-causing mutation.